The following is an entry in ClinVar:

NM_000027.4(AGA):c.791T>C (p.Met264Thr)

Gene: AGA (aspartylglucosaminidase; minus strand). Cytogenetic location: 4q34.3.
Variant type: single nucleotide variant.
Coding change: c.791T>C on transcript NM_000027.4 (MANE Select); coding-DNA position 791, T replaced by C.
Protein change: p.Met264Thr; replaces methionine 264 with threonine.
Molecular consequence: missense variant. On other transcripts: non-coding transcript variant (1).
Genome position (GRCh38, 1-based): chr4:177,434,397, A>G on the plus strand (T>C on the coding strand, the complement: AGA is on the minus strand). VCF-style: chr4-177434397-A-G. GRCh37 (hg19) VCF-style: chr4-178355551-A-G.
Other names: c.761T>C, p.Met254Thr (NM_001171988.2); short protein forms M254T, M264T.
Identifiers: ClinVar variation 1417139 (VCV001417139.8), dbSNP rs1404090170, ClinGen allele CA358782036.

ClinVar aggregate classification (germline): Uncertain significance (1 of 4 stars; one submission).

Conditions:
Aspartylglucosaminuria (AGU). Also called: Aspartylglucos-aminuria; Aspartylglucos-amidase (AGA) deficiency; GLYCOASPARAGINASE; GLYCOSYLASPARAGINASE DEFICIENCY; AGA DEFICIENCY. Identifiers: Orphanet 93, MedGen C0268225, MONDO:0008830, OMIM 208400, HP:0012068.

Allele frequency attached by ClinVar (database versions not stated): gnomAD exomes below 0.00001.
gnomAD v4.1: 1 of 1,614,138 alleles (0.000062%); highest among the groups gnomAD compares: Admixed American, 0.0017%; no homozygotes.

Submission:

Labcorp Genetics (formerly Invitae), Labcorp
Classification: Uncertain significance for Aspartylglucosaminuria. Last evaluated: 2022-08-23. Review status: criteria provided, single submitter. Criteria: Invitae Variant Classification Sherloc (09022015). Collection method: clinical testing. Allele origin: germline.
Comment: This variant has not been reported in the literature in individuals affected with AGA-related conditions. This variant is present in population databases (no rsID available, gnomAD 0.003%). This sequence change replaces methionine, which is neutral and non-polar, with threonine, which is neutral and polar, at codon 264 of the AGA protein (p.Met264Thr). ClinVar contains an entry for this variant (Variation ID: 1417139). In summary, the available evidence is currently insufficient to determine the role of this variant in disease. Therefore, it has been classified as a Variant of Uncertain Significance. Algorithms developed to predict the effect of missense changes on protein structure and function are either unavailable or do not agree on the potential impact of this missense change (SIFT: "Deleterious"; PolyPhen-2: "Probably Damaging"; Align-GVGD: "Class C0").